The following is an entry in ClinVar:

ClinVar aggregate classification (germline): Benign. Review status: criteria provided, multiple submitters, no conflicts (2 of 4 stars). 6 submissions from 6 submitters: Benign (5). 1 of the submissions does not count toward it. Last evaluated 2026-02-04.

Conditions:
NUP85-related disorder. Also called: NUP85-related condition.
Nephrotic syndrome, type 17. Identifiers: MedGen C4748545, MONDO:0032580, OMIM 618176.

Allele frequency attached by ClinVar (database versions not stated): 1000 Genomes Project 0.88399; ESP Exome Variant Server 0.83592; gnomAD exomes 0.84151 and 0.86051; gnomAD 0.85139 and 0.85362; TOPMed 0.85346; ExAC 0.85999; 1000 Genomes Project 30x 0.88367.
gnomAD v4.1: 1,360,026 of 1,613,936 alleles (84%); highest among the groups gnomAD compares: East Asian, 95%; 574,339 homozygotes.

Submissions (6):

Labcorp Genetics (formerly Invitae), Labcorp
Classification: Benign. Last evaluated: 2026-02-04. Review status: criteria provided, single submitter. Criteria: Invitae Variant Classification Sherloc (09022015). Collection method: clinical testing. Allele origin: germline.

Blueprint Genetics
Classification: Benign. Last evaluated: 2024-11-28. Review status: criteria provided, single submitter. Criteria: ACMG Guidelines, 2015. Collection method: clinical testing. Allele origin: germline.

Mayo Clinic Laboratories, Mayo Clinic
Classification: Benign. Last evaluated: 2022-03-09. Review status: criteria provided, single submitter. Criteria: ACMG Guidelines, 2015. Collection method: clinical testing. Allele origin: germline. Observed: 144 variant alleles.

Genome-Nilou Lab
Classification: Benign for Nephrotic syndrome, type 17. Last evaluated: 2021-09-05. Review status: criteria provided, single submitter. Criteria: ACMG Guidelines, 2015. Collection method: clinical testing. Allele origin: germline. Affected: no.

Breakthrough Genomics
Classification: Benign. Review status: criteria provided, single submitter. Criteria: ACMG Guidelines, 2015. Collection method: not provided. Allele origin: germline. Inheritance: Autosomal recessive inheritance. Affected: yes.

PreventionGenetics, part of Exact Sciences
Classification: Benign for NUP85-related condition. Last evaluated: 2019-07-18. Review status: no assertion criteria provided. Collection method: clinical testing. Allele origin: germline. Not counted in ClinVar's aggregate classification.
Comment: This variant is classified as benign based on ACMG/AMP sequence variant interpretation guidelines (Richards et al. 2015 PMID: 25741868, with internal and published modifications).

NM_024844.5(NUP85):c.1740C>T (p.Asp580=)

Gene: NUP85 (nucleoporin 85; plus strand). Cytogenetic location: 17q25.1.
Variant type: single nucleotide variant.
Coding change: c.1740C>T on transcript NM_024844.5 (MANE Select); coding-DNA position 1740, C replaced by T.
Protein change: p.Asp580=; no amino-acid change (aspartic acid 580 retained).
Molecular consequence: synonymous variant.
Genome position (GRCh38, 1-based): chr17:75,234,761, C>T. VCF-style: chr17-75234761-C-T. GRCh37 (hg19) VCF-style: chr17-73230856-C-T.
Other names: p.Asp580=; c.1602C>T, p.Asp534= (NM_001303276.2); c.1605C>T, p.Asp535= (NM_001330472.2); c.1740C>T (NM_024844.4).
Identifiers: ClinVar variation 1327041 (VCV001327041.15), dbSNP rs9988, ClinGen allele CA8758972.